The following is an entry in ClinVar:

ClinVar aggregate classification (germline): Uncertain significance (1 of 4 stars; one submission).

gnomAD v4.1: 6 of 1,614,024 alleles (0.00037%); highest among the groups gnomAD compares: Middle Eastern, 0.016%; no homozygotes.

Submission:

Labcorp Genetics (formerly Invitae), Labcorp
Classification: Uncertain significance. Last evaluated: 2024-05-07. Review status: criteria provided, single submitter. Criteria: Invitae Variant Classification Sherloc (09022015). Collection method: clinical testing. Allele origin: germline.
Comment: This sequence change replaces glycine, which is neutral and non-polar, with arginine, which is basic and polar, at codon 678 of the IGSF10 protein (p.Gly678Arg). This variant is not present in population databases (gnomAD no frequency). This variant has not been reported in the literature in individuals affected with IGSF10-related conditions. An algorithm developed to predict the effect of missense changes on protein structure and function (PolyPhen-2) suggests that this variant is likely to be disruptive. In summary, the available evidence is currently insufficient to determine the role of this variant in disease. Therefore, it has been classified as a Variant of Uncertain Significance.

NM_178822.5(IGSF10):c.2032G>C (p.Gly678Arg)

Gene: IGSF10 (immunoglobulin superfamily member 10; minus strand). Cytogenetic location: 3q25.1.
Variant type: single nucleotide variant.
Coding change: c.2032G>C on transcript NM_178822.5 (MANE Select); coding-DNA position 2032, G replaced by C.
Protein change: p.Gly678Arg; replaces glycine 678 with arginine.
Molecular consequence: missense variant.
Genome position (GRCh38, 1-based): chr3:151,447,949, C>G on the plus strand (G>C on the coding strand, the complement: IGSF10 is on the minus strand). VCF-style: chr3-151447949-C-G. GRCh37 (hg19) VCF-style: chr3-151165737-C-G.
Other names: c.2032G>C, p.Gly678Arg (NM_001385060.1, NM_001385061.1, NM_001385062.1 and 1 more transcripts); short protein forms G678R.
Identifiers: ClinVar variation 3697878 (VCV003697878.2).